The following is an entry in ClinVar:

NM_006389.5(HYOU1):c.1283A>G (p.Lys428Arg)

Genes: HYOU1 (hypoxia up-regulated 1; minus strand), LOC130006884 (ATAC-STARR-seq lymphoblastoid active region 5617; plus strand). Cytogenetic location: 11q23.3.
Variant type: single nucleotide variant.
Coding change: c.1283A>G on transcript NM_006389.5 (MANE Select); coding-DNA position 1283, A replaced by G.
Protein change: p.Lys428Arg; replaces lysine 428 with arginine.
Molecular consequence: missense variant.
Genome position (GRCh38, 1-based): chr11:119,051,874, T>C on the plus strand (A>G on the coding strand, the complement: HYOU1 is on the minus strand). VCF-style: chr11-119051874-T-C. GRCh37 (hg19) VCF-style: chr11-118922586-T-C.
Other names: c.1283A>G, p.Lys428Arg (NM_001130991.3, NM_001411041.1); short protein forms K428R.
Identifiers: ClinVar variation 2892236 (VCV002892236.3), dbSNP rs1453978009, ClinGen allele CA382939657.

ClinVar aggregate classification (germline): Uncertain significance (1 of 4 stars; one submission).

Allele frequency attached by ClinVar (database versions not stated): gnomAD exomes below 0.00001; TOPMed 0.00001.
gnomAD v4.1: 7 of 1,614,160 alleles (0.00043%); highest among the groups gnomAD compares: Admixed American, 0.0033%; no homozygotes.

Submission:

Labcorp Genetics (formerly Invitae), Labcorp
Classification: Uncertain significance. Last evaluated: 2026-01-23. Review status: criteria provided, single submitter. Criteria: Invitae Variant Classification Sherloc (09022015). Collection method: clinical testing. Allele origin: germline.
Comment: This sequence change replaces lysine, which is basic and polar, with arginine, which is basic and polar, at codon 428 of the HYOU1 protein (p.Lys428Arg). This variant is present in population databases (no rsID available, gnomAD 0.003%). This variant has not been reported in the literature in individuals affected with HYOU1-related conditions. ClinVar contains an entry for this variant (Variation ID: 2892236). An algorithm developed to predict the effect of missense changes on protein structure and function (PolyPhen-2) suggests that this variant is likely to be disruptive. In summary, the available evidence is currently insufficient to determine the role of this variant in disease. Therefore, it has been classified as a Variant of Uncertain Significance.